The following is an entry in ClinVar:

NM_001354604.2(MITF):c.712A>G (p.Asn238Asp)

Gene: MITF (melanocyte inducing transcription factor; plus strand). Cytogenetic location: 3p13.
Variant type: single nucleotide variant.
Coding change: c.712A>G on transcript NM_001354604.2 (MANE Select); coding-DNA position 712, A replaced by G.
Protein change: p.Asn238Asp; replaces asparagine 238 with aspartic acid.
Molecular consequence: missense variant.
Genome position (GRCh38, 1-based): chr3:69,941,281, A>G. VCF-style: chr3-69941281-A-G. GRCh37 (hg19) VCF-style: chr3-69990432-A-G.
Other names: c.391A>G, p.Asn131Asp (NM_000248.4, NM_198158.3); c.556A>G, p.Asn186Asp (NM_001184967.2, NM_001354608.2); c.709A>G, p.Asn237Asp (NM_001354605.2, NM_001354606.2, NM_006722.3); c.661A>G, p.Asn221Asp (NM_001354607.2); c.712A>G, p.Asn238Asp (NM_198159.3); c.664A>G, p.Asn222Asp (NM_198177.3); c.223A>G, p.Asn75Asp (NM_198178.3); short protein forms N131D, N237D, N186D, N238D, N221D, N75D, N222D.
Identifiers: ClinVar variation 4055207 (VCV004055207.1).

ClinVar aggregate classification (germline): Uncertain significance (1 of 4 stars; one submission).

Conditions:
Hereditary cancer-predisposing syndrome. Also called: Neoplastic Syndromes, Hereditary; Tumor predisposition; Hereditary neoplastic syndrome; Hereditary Cancer Syndrome. Identifiers: Orphanet 140162, MedGen C0027672, MeSH D009386, MONDO:0015356.

Submission:

Ambry Genetics
Classification: Uncertain significance for Hereditary cancer-predisposing syndrome. Last evaluated: 2025-05-11. Review status: criteria provided, single submitter. Criteria: Ambry Variant Classification Scheme 2023. Collection method: clinical testing. Allele origin: germline.
Comment: The p.N131D variant (also known as c.391A>G), located in coding exon 4 of the MITF gene, results from an A to G substitution at nucleotide position 391. The asparagine at codon 131 is replaced by aspartic acid, an amino acid with highly similar properties. This amino acid position is conserved. In addition, this alteration is predicted to be tolerated by in silico analysis. Based on the available evidence, the clinical significance of this variant remains unclear.